The following is an entry in ClinVar:

ClinVar aggregate classification (germline): Uncertain significance (1 of 4 stars; one submission).

Submission:

GeneDx
Classification: Uncertain significance. Last evaluated: 2026-04-07. Review status: criteria provided, single submitter. Criteria: GeneDx Variant Classification Process June 2021. Collection method: clinical testing. Allele origin: germline.
Comment: Not observed at significant frequency in large population cohorts (gnomAD); In silico analysis supports that this missense variant has a deleterious effect on protein structure/function; Has not been previously published as pathogenic or benign to our knowledge

NM_001429.4(EP300):c.3518A>T (p.Gln1173Leu)

Gene: EP300 (EP300 lysine acetyltransferase; plus strand). Cytogenetic location: 22q13.2.
Variant type: single nucleotide variant.
Coding change: c.3518A>T on transcript NM_001429.4 (MANE Select); coding-DNA position 3518, A replaced by T.
Protein change: p.Gln1173Leu; replaces glutamine 1173 with leucine.
Molecular consequence: missense variant.
Genome position (GRCh38, 1-based): chr22:41,158,428, A>T. VCF-style: chr22-41158428-A-T. GRCh37 (hg19) VCF-style: chr22-41554432-A-T.
Other names: c.3440A>T, p.Gln1147Leu (NM_001362843.2); short protein forms Q1147L, Q1173L.
Identifiers: ClinVar variation 5018301 (VCV005018301.1).
Genomic context (GRCh38, chr22:41,158,428, plus strand): 5'-TCCTTAAGGCCTCTGTGCTTTTTAACAAATGGTTTCTTTTGCAGTTGGAGTTCTCTCCAC[A>T]GACACTGTGTTGCTACGGCAAACAGTTGTGCACAATACCTCGTGATGCCACTTATTACAG-3'
Protein context (NP_001420.2, residues 1163-1183): CCGRKLEFSP[Gln1173Leu]TLCCYGKQLC